The following is an entry in ClinVar:

ClinVar aggregate classification (germline): Uncertain significance (1 of 4 stars; one submission).

Conditions:
Cowden syndrome 6 (CWS6). Identifiers: Orphanet 201, MedGen C3554519, MONDO:0014048, OMIM 615109.

Submission:

Labcorp Genetics (formerly Invitae), Labcorp
Classification: Uncertain significance for Cowden syndrome 6. Last evaluated: 2020-01-14. Review status: criteria provided, single submitter. Criteria: Invitae Variant Classification Sherloc (09022015). Collection method: clinical testing. Allele origin: germline.
Comment: This variant has not been reported in the literature in individuals with AKT1-related conditions. This sequence change falls in intron 10 of the AKT1 gene. It does not directly change the encoded amino acid sequence of the AKT1 protein, but it affects a nucleotide within the consensus splice site of the intron. This variant is not present in population databases (ExAC no frequency). Nucleotide substitutions within the consensus splice site are a relatively common cause of aberrant splicing (PMID: 17576681, 9536098). Algorithms developed to predict the effect of sequence changes on RNA splicing suggest that this variant may disrupt the consensus splice site, but this prediction has not been confirmed by published transcriptional studies. In summary, the available evidence is currently insufficient to determine the role of this variant in disease. Therefore, it has been classified as a Variant of Uncertain Significance.

Literature cited by the submitters: PubMed 17576681; PubMed 9536098.

NM_001382430.1(AKT1):c.957+3G>T

Gene: AKT1 (AKT serine/threonine kinase 1; minus strand). Cytogenetic location: 14q32.33.
Variant type: single nucleotide variant.
Coding change: c.957+3G>T on transcript NM_001382430.1 (MANE Select); 3 bases into the intron after coding-DNA position 957, G replaced by T.
Molecular consequence: intron variant.
Genome position (GRCh38, 1-based): chr14:104,773,248, C>A on the plus strand (G>T on the coding strand, the complement: AKT1 is on the minus strand). VCF-style: chr14-104773248-C-A. GRCh37 (hg19) VCF-style: chr14-105239585-C-A.
Other names: c.957+3G>T (NM_001014431.2, NM_001014432.2, NM_001382433.1 and 3 more transcripts).
Identifiers: ClinVar variation 1046456 (VCV001046456.5), dbSNP rs1219173005, ClinGen allele CA2160962160.